The following is an entry in ClinVar:

ClinVar aggregate classification (germline): Uncertain significance (1 of 4 stars; one submission).

Conditions:
X-linked severe combined immunodeficiency (SCIDX1). Also called: X-Linked Combined Immunodeficiency Diseases; IMMUNODEFICIENCY 4; SCID, X-LINKED; SEVERE COMBINED IMMUNODEFICIENCY, X-LINKED, T CELL-NEGATIVE, B CELL-POSITIVE, NK CELL-NEGATIVE; T-B+ severe combined immunodeficiency due to gamma chain deficiency. Identifiers: Orphanet 276, MedGen C6022468, MONDO:0010315, OMIM 300400. Disease mechanism: loss of function.

Submission:

Labcorp Genetics (formerly Invitae), Labcorp
Classification: Uncertain significance for X-linked severe combined immunodeficiency. Last evaluated: 2023-08-28. Review status: criteria provided, single submitter. Criteria: Invitae Variant Classification Sherloc (09022015). Collection method: clinical testing. Allele origin: germline.
Comment: This sequence change replaces alanine, which is neutral and non-polar, with valine, which is neutral and non-polar, at codon 348 of the IL2RG protein (p.Ala348Val). This variant is not present in population databases (gnomAD no frequency). This variant has not been reported in the literature in individuals affected with IL2RG-related conditions. Advanced modeling of protein sequence and biophysical properties (such as structural, functional, and spatial information, amino acid conservation, physicochemical variation, residue mobility, and thermodynamic stability) performed at Invitae indicates that this missense variant is not expected to disrupt IL2RG protein function. In summary, the available evidence is currently insufficient to determine the role of this variant in disease. Therefore, it has been classified as a Variant of Uncertain Significance.

NM_000206.3(IL2RG):c.1043C>T (p.Ala348Val)

Gene: IL2RG (interleukin 2 receptor subunit gamma; minus strand). Cytogenetic location: Xq13.1.
Variant type: single nucleotide variant.
Coding change: c.1043C>T on transcript NM_000206.3 (MANE Select); coding-DNA position 1043, C replaced by T.
Protein change: p.Ala348Val; replaces alanine 348 with valine.
Molecular consequence: missense variant.
Genome position (GRCh38, 1-based): chrX:71,107,803, G>A on the plus strand (C>T on the coding strand, the complement: IL2RG is on the minus strand). VCF-style: chrX-71107803-G-A. GRCh37 (hg19) VCF-style: chrX-70327653-G-A.
Other names: short protein forms A348V.
Identifiers: ClinVar variation 2746288 (VCV002746288.3), dbSNP rs2521699856, ClinGen allele CA413627766.